The following is an entry in ClinVar:

NM_000222.3(KIT):c.1295G>C (p.Gly432Ala)

Gene: KIT (KIT proto-oncogene, receptor tyrosine kinase; plus strand). Cytogenetic location: 4q12.
Variant type: single nucleotide variant.
Coding change: c.1295G>C on transcript NM_000222.3 (MANE Select); coding-DNA position 1295, G replaced by C.
Protein change: p.Gly432Ala; replaces glycine 432 with alanine.
Molecular consequence: missense variant.
Genome position (GRCh38, 1-based): chr4:54,723,647, G>C. VCF-style: chr4-54723647-G-C. GRCh37 (hg19) VCF-style: chr4-55589813-G-C.
Other names: c.1295G>C, p.Gly432Ala (NM_001093772.2, NM_001385285.1, NM_001385286.1); c.1298G>C, p.Gly433Ala (NM_001385284.1, NM_001385288.1, NM_001385290.1 and 1 more transcripts); short protein forms G433A, G432A.
Identifiers: ClinVar variation 3864555 (VCV003864555.1).

ClinVar aggregate classification (germline): Uncertain significance (1 of 4 stars; one submission).

Conditions:
Hereditary cancer-predisposing syndrome. Also called: Hereditary neoplastic syndrome; Neoplastic Syndromes, Hereditary; Tumor predisposition; Hereditary Cancer Syndrome. Identifiers: Orphanet 140162, MedGen C0027672, MeSH D009386, MONDO:0015356.

Submission:

Ambry Genetics
Classification: Uncertain significance for Hereditary cancer-predisposing syndrome. Last evaluated: 2025-03-02. Review status: criteria provided, single submitter. Criteria: Ambry Variant Classification Scheme 2023. Collection method: clinical testing. Allele origin: germline.
Comment: The p.G432A variant (also known as c.1295G>C), located in coding exon 8 of the KIT gene, results from a G to C substitution at nucleotide position 1295. The glycine at codon 432 is replaced by alanine, an amino acid with similar properties. This amino acid position is conserved. In addition, the in silico prediction for this alteration is inconclusive. Based on the available evidence, the clinical significance of this variant remains unclear.